The following is an entry in ClinVar:

ClinVar aggregate classification (germline): Pathogenic/Likely pathogenic. Review status: criteria provided, multiple submitters, no conflicts (2 of 4 stars). 3 submissions from 3 submitters: Pathogenic (2); Likely pathogenic (1). Last evaluated 2019-08-01.

Conditions:
Amyloidosis, hereditary systemic 1 (AMYLD1). Also called: Isolated Cardiac Amyloidosis; Amyloid Cardiomyopathy, Transthyretin-related; AMYLOID CARDIOMYOPATHY; Hereditary Transthyretin Amyloidosis; Transthyretin Amyloidosis; Familial amyloid polyneuropathy. Identifiers: Orphanet 85447, Orphanet 85451, MedGen C2751492, MONDO:0971004, OMIM 105210.

Submissions (3):

Labcorp Genetics (formerly Invitae), Labcorp
Classification: Likely pathogenic for Amyloidosis, hereditary systemic 1. Last evaluated: 2019-08-01. Review status: criteria provided, single submitter. Criteria: Invitae Variant Classification Sherloc (09022015). Collection method: clinical testing. Allele origin: germline.
Comment: In summary, the currently available evidence indicates that the variant is pathogenic, but additional data are needed to prove that conclusively. Therefore, this variant has been classified as Likely Pathogenic. This variant disrupts the p.Ala65 amino acid residue in TTR. Other variant(s) that disrupt this residue have been observed in individuals with TTR-related conditions (PMID: 28460244, 1570831, 10842718), which suggests that this may be a clinically significant amino acid residue. Algorithms developed to predict the effect of missense changes on protein structure and function are either unavailable or do not agree on the potential impact of this missense change (SIFT: "Tolerated"; PolyPhen-2: "Probably Damaging"; Align-GVGD: "Class C0"). This variant has been observed in individuals affected with hereditary transthyretin-mediated amyloidosis (hATTR amyloidosis) (PMID: 7599630, 23713495, 24953234). This variant is also known as A45D in the literature. ClinVar contains an entry for this variant (Variation ID: 181702). This variant is not present in population databases (ExAC no frequency). This sequence change replaces alanine with aspartic acid at codon 65 of the TTR protein (p.Ala65Asp). The alanine residue is highly conserved and there is a moderate physicochemical difference between alanine and aspartic acid.

Clinical Genetics and Genomics, Karolinska University Hospital
Classification: Pathogenic. Last evaluated: 2017-05-30. Review status: criteria provided, single submitter. Criteria: ACMG Guidelines, 2015. Collection method: clinical testing. Allele origin: germline. Affected: yes. Observed: 1 variant allele.

GeneDx
Classification: Pathogenic. Last evaluated: 2012-01-19. Review status: criteria provided, single submitter. Criteria: GeneDx Variant Classification (06012015). Collection method: clinical testing. Allele origin: germline. Affected: yes.
Comment: This mutation is denoted Ala65Asp (aka A65D) at the protein level and c.194 C>A at the cDNA level. A heterozygous C>A nucleotide substitution in exon 2 of the TTR gene results in the replacement of an Alanine codon (GCC) with an Aspartic acid codon (GAC) at amino acid position 65 in transthyretin. The Ala65Asp (aka Ala45Asp, using alternative nomenclature) mutation in the TTR gene has been reported previously in association with cardiac amyloidosis (Saraiva M et al., 1995). The Ala65Asp mutation results in a non-conservative amino acid substitution of a non-polar Alanine residue with a polar Aspartic acid residue. Additionally, the NHLBI ESP Exome Variant Server reports Ala65Asp was not observed in approximately 5,000 samples from individuals of European and African American backgrounds, indicating it is not a common benign variant in these populations. Furthermore, mutations in this codon (Ala65Ser, Ala65Thr) and in nearby codons (Phe64Leu, Phe64Ser, Phe64Tyr, Gly67Ala) have been reported in association with amyloidosis, further supporting the functional importance of this region of the protein. The variant is found in HCM panel(s).

Literature cited by the submitters: PubMed 28460244 (cited by Labcorp Genetics (formerly Invitae), Labcorp); PubMed 1570831 (cited by Labcorp Genetics (formerly Invitae), Labcorp); PubMed 10842718 (cited by Labcorp Genetics (formerly Invitae), Labcorp); PubMed 7599630 (cited by Labcorp Genetics (formerly Invitae), Labcorp); PubMed 23713495 (cited by Labcorp Genetics (formerly Invitae), Labcorp); PubMed 24953234 (cited by Labcorp Genetics (formerly Invitae), Labcorp).

NM_000371.4(TTR):c.194C>A (p.Ala65Asp)

Gene: TTR (transthyretin; plus strand). Cytogenetic location: 18q12.1.
Variant type: single nucleotide variant.
Coding change: c.194C>A on transcript NM_000371.4 (MANE Select); coding-DNA position 194, C replaced by A.
Protein change: p.Ala65Asp; replaces alanine 65 with aspartic acid.
Molecular consequence: missense variant.
Genome position (GRCh38, 1-based): chr18:31,593,020, C>A. VCF-style: chr18-31593020-C-A. GRCh37 (hg19) VCF-style: chr18-29172983-C-A.
Other names: p.A65D:GCC>GAC; short protein forms A65D.
Identifiers: ClinVar variation 181702 (VCV000181702.11), dbSNP rs730881169, ClinGen allele CA297540.